The following is an entry in ClinVar:

NM_199355.4(ADAMTS18):c.2636G>C (p.Ser879Thr)

Gene: ADAMTS18 (ADAM metallopeptidase with thrombospondin type 1 motif 18; minus strand). Cytogenetic location: 16q23.1.
Variant type: single nucleotide variant.
Coding change: c.2636G>C on transcript NM_199355.4 (MANE Select); coding-DNA position 2636, G replaced by C.
Protein change: p.Ser879Thr; replaces serine 879 with threonine.
Molecular consequence: missense variant.
Genome position (GRCh38, 1-based): chr16:77,300,301, C>G on the plus strand (G>C on the coding strand, the complement: ADAMTS18 is on the minus strand). VCF-style: chr16-77300301-C-G. GRCh37 (hg19) VCF-style: chr16-77334198-C-G.
Other names: c.2120G>C, p.Ser707Thr (NM_001326358.2); short protein forms S707T, S879T.
Identifiers: ClinVar variation 2124958 (VCV002124958.2), dbSNP rs2055556304, ClinGen allele CA396823646.
Genomic context (GRCh38, chr16:77,300,301, plus strand): 5'-ACAGAATGAGAAAATCATCTACCTCCACCACAGGAGACGGAGCACTCTGACTGCACGATA[C>G]TCCAGGTATAGGCAGGTCTTTTTGTGGCTGGTGGAGTTCCATTCATGACCTTGGGAAGTG-3'
Protein context (NP_955387.1, residues 869-889): PATKRPAYTW[Ser879Thr]IVQSECSVSC

ClinVar aggregate classification (germline): Uncertain significance (1 of 4 stars; one submission).

Submission:

Labcorp Genetics (formerly Invitae), Labcorp
Classification: Uncertain significance. Last evaluated: 2022-04-11. Review status: criteria provided, single submitter. Criteria: Invitae Variant Classification Sherloc (09022015). Collection method: clinical testing. Allele origin: germline.
Comment: In summary, the available evidence is currently insufficient to determine the role of this variant in disease. Therefore, it has been classified as a Variant of Uncertain Significance. Algorithms developed to predict the effect of missense changes on protein structure and function output the following: SIFT: "Not Available"; PolyPhen-2: "Benign"; Align-GVGD: "Not Available". The threonine amino acid residue is found in multiple mammalian species, which suggests that this missense change does not adversely affect protein function. This variant has not been reported in the literature in individuals affected with ADAMTS18-related conditions. This variant is not present in population databases (gnomAD no frequency). This sequence change replaces serine, which is neutral and polar, with threonine, which is neutral and polar, at codon 879 of the ADAMTS18 protein (p.Ser879Thr).